The following is an entry in ClinVar:

ClinVar aggregate classification (germline): Benign/Likely benign. Review status: criteria provided, multiple submitters, no conflicts (2 of 4 stars). 2 submissions from 2 submitters: Benign (1); Likely benign (1). Last evaluated 2026-04-24.

Conditions:
Colorectal cancer, susceptibility to, 1. Also called: COLORECTAL ADENOMA AND CANCER, SUSCEPTIBILITY TO; COLORECTAL CANCER, SUSCEPTIBILITY TO, ON CHROMOSOME 9. Identifiers: MedGen C1837315, MONDO:0012132, OMIM 608812.

Allele frequency attached by ClinVar (database versions not stated): gnomAD 0.00002; 1000 Genomes Project 30x 0.00047.
gnomAD v4.1: 21 of 1,613,088 alleles (0.0013%); highest among the groups gnomAD compares: South Asian, 0.022%; no homozygotes.

Submissions (2):

Myriad Genetics, Inc.
Classification: Benign for Colorectal cancer, susceptibility to, 1. Last evaluated: 2026-04-24. Review status: criteria provided, single submitter. Criteria: Myriad Autosomal Dominant, Autosomal Recessive and X-Linked Classification Criteria (2023). Collection method: clinical testing. Allele origin: unknown.
Comment: This variant is considered benign. This variant is a silent/synonymous amino acid change and it is not expected to impact splicing.

Ambry Genetics
Classification: Likely benign. Last evaluated: 2020-01-07. Review status: criteria provided, single submitter. Criteria: Ambry Variant Classification Scheme 2023. Collection method: clinical testing. Allele origin: germline.

NM_024642.5(GALNT12):c.936T>A (p.Gly312=)

Gene: GALNT12 (polypeptide N-acetylgalactosaminyltransferase 12; plus strand). Cytogenetic location: 9q22.33.
Variant type: single nucleotide variant.
Coding change: c.936T>A on transcript NM_024642.5 (MANE Select); coding-DNA position 936, T replaced by A.
Protein change: p.Gly312=; no amino-acid change (glycine 312 retained).
Molecular consequence: synonymous variant.
Genome position (GRCh38, 1-based): chr9:98,835,267, T>A. VCF-style: chr9-98835267-T-A. GRCh37 (hg19) VCF-style: chr9-101597549-T-A.
Identifiers: ClinVar variation 1766713 (VCV001766713.3), dbSNP rs201140510, ClinGen allele CA5154122.
Genomic context (GRCh38, chr9:98,835,267, plus strand): 5'-TTCTGCTGTCTACAGTGAAATAAGGATATCATACTTTTTTAGGTCTCCAACAATGGCTGG[T>A]GGGCTGTTTGCTGTGAGTAAGAAATATTTTGAATATCTGGGGTCTTATGATACAGGAATG-3'
Protein context (NP_078918.3, residues 302-322): VDVIRSPTMA[Gly312=]GLFAVSKKYF